The following is an entry in ClinVar:

NM_001113378.2(FANCI):c.1900T>C (p.Phe634Leu)

Gene: FANCI (FA complementation group I; plus strand). Cytogenetic location: 15q26.1.
Variant type: single nucleotide variant.
Coding change: c.1900T>C on transcript NM_001113378.2 (MANE Select); coding-DNA position 1900, T replaced by C.
Protein change: p.Phe634Leu; replaces phenylalanine 634 with leucine.
Molecular consequence: missense variant.
Genome position (GRCh38, 1-based): chr15:89,291,622, T>C. VCF-style: chr15-89291622-T-C. GRCh37 (hg19) VCF-style: chr15-89834853-T-C.
Other names: c.1621T>C, p.Phe541Leu (NM_001376910.1); c.1900T>C, p.Phe634Leu (NM_001376911.1, NM_018193.3); short protein forms F541L, F634L.
Identifiers: ClinVar variation 2428211 (VCV002428211.5), dbSNP rs140965103, ClinGen allele CA393748642.

ClinVar aggregate classification (germline): Uncertain significance (1 of 4 stars; one submission).

Conditions:
Fanconi anemia (FA). Also called: Fanconi's anemia. Identifiers: Orphanet 84, MedGen C0015625, MeSH D005199, MONDO:0019391.

Submission:

Labcorp Genetics (formerly Invitae), Labcorp
Classification: Uncertain significance for Fanconi anemia. Last evaluated: 2022-04-06. Review status: criteria provided, single submitter. Criteria: Invitae Variant Classification Sherloc (09022015). Collection method: clinical testing. Allele origin: germline.
Comment: This variant is not present in population databases (gnomAD no frequency). This sequence change replaces phenylalanine, which is neutral and non-polar, with leucine, which is neutral and non-polar, at codon 634 of the FANCI protein (p.Phe634Leu). This variant has not been reported in the literature in individuals affected with FANCI-related conditions. Algorithms developed to predict the effect of missense changes on protein structure and function are either unavailable or do not agree on the potential impact of this missense change (SIFT: "Deleterious"; PolyPhen-2: "Benign"; Align-GVGD: "Class C0"). In summary, the available evidence is currently insufficient to determine the role of this variant in disease. Therefore, it has been classified as a Variant of Uncertain Significance.